The following is an entry in ClinVar:

ClinVar aggregate classification (germline): Pathogenic. Review status: reviewed by expert panel (3 of 4 stars). 14 submissions from 14 submitters: Pathogenic (1). 13 of the submissions do not count toward it. Last evaluated 2016-09-08.

Conditions:
BRCA2-related disorder. Also called: BRCA2-related condition; BRCA2-related disorders. Identifiers: MedGen CN239275.
Hereditary cancer-predisposing syndrome. Also called: Neoplastic Syndromes, Hereditary; Hereditary neoplastic syndrome; Tumor predisposition; Hereditary Cancer Syndrome. Identifiers: Orphanet 140162, MedGen C0027672, MeSH D009386, MONDO:0015356.
Hereditary breast ovarian cancer syndrome. Also called: Hereditary breast and/or ovarian cancer syndrome; Breast and ovarian cancer; BRCA1- and BRCA2-Associated Hereditary Breast and Ovarian Cancer; Hereditary breast and ovarian cancer; Hereditary breast and ovarian cancer syndrome; Hereditary breast and ovarian cancer syndrome (HBOC). Identifiers: Orphanet 145, MedGen C0677776, MeSH D061325, MONDO:0003582. Disease mechanism: loss of function.
Breast-ovarian cancer, familial, susceptibility to, 2 (BROVCA2). Also called: BRCA2 Hereditary Breast and Ovarian Cancer. Identifiers: Orphanet 145, MedGen C2675520, MONDO:0012933, OMIM 612555. Disease mechanism: loss of function.
Familial cancer of breast. Also called: BREAST CANCER, FAMILIAL; Hereditary breast cancer; hereditary breast carcinoma. Identifiers: Orphanet 227535, MedGen C0346153, MONDO:0016419, OMIM 114480. Disease mechanism: loss of function.

Allele frequency attached by ClinVar (database versions not stated): gnomAD exomes below 0.00001.

Submissions (14):

Evidence-based Network for the Interpretation of Germline Mutant Alleles (ENIGMA)
Classification: Pathogenic for Breast-ovarian cancer, familial, susceptibility to, 2. Last evaluated: 2016-09-08. Review status: reviewed by expert panel. Criteria: ENIGMA BRCA1/2 Classification Criteria (2015). Collection method: curation. Allele origin: germline.
Comment: Variant allele predicted to encode a truncated non-functional protein.

Labcorp Genetics (formerly Invitae), Labcorp
Classification: Pathogenic for Hereditary breast ovarian cancer syndrome. Last evaluated: 2025-12-09. Review status: criteria provided, single submitter. Criteria: Invitae Variant Classification Sherloc (09022015). Collection method: clinical testing. Allele origin: germline. Not counted in ClinVar's aggregate classification.
Comment: This sequence change creates a premature translational stop signal (p.Thr1426Asnfs*12) in the BRCA2 gene. It is expected to result in an absent or disrupted protein product. Loss-of-function variants in BRCA2 are known to be pathogenic (PMID: 20104584). This variant is not present in population databases (gnomAD no frequency). This premature translational stop signal has been observed in individual(s) with a personal and/or family history of BRCA2-related disease (PMID: 15131399). This variant is also known as 4504insA (Stop 1437). ClinVar contains an entry for this variant (Variation ID: 37891). For these reasons, this variant has been classified as Pathogenic.

Quest Diagnostics Nichols Institute San Juan Capistrano
Classification: Pathogenic. Last evaluated: 2025-08-28. Review status: criteria provided, single submitter. Criteria: Quest Diagnostics criteria. Collection method: clinical testing. Allele origin: unknown. Not counted in ClinVar's aggregate classification.
Comment: The BRCA2 c.4276dup (p.Thr1426Asnfs*12) variant alters the translational reading frame of the BRCA2 mRNA and causes the premature termination of BRCA2 protein synthesis. This variant has been reported in the published literature in individuals with hereditary breast and ovarian cancer (HBOC) syndrome (PMID: 15131399 (2004)) and pancreatic or biliary tract cancer (PMID: 32918181 (2021)). This variant has not been reported in large, multi-ethnic general populations (Genome Aggregation Database). Based on the available information, this variant is classified as pathogenic.

Ambry Genetics
Classification: Pathogenic for Hereditary cancer-predisposing syndrome. Last evaluated: 2025-02-07. Review status: criteria provided, single submitter. Criteria: Ambry Variant Classification Scheme 2023. Collection method: clinical testing. Allele origin: germline. Not counted in ClinVar's aggregate classification.
Comment: The c.4276dupA pathogenic mutation, located in coding exon 10 of the BRCA2 gene, results from a duplication of A at nucleotide position 4276, causing a translational frameshift with a predicted alternate stop codon (p.T1426Nfs*12). This mutation has been identified in families with hereditary breast and/or ovarian cancer (Lubinske J et al. Fam Cancer. 2004;3(1):1-10; Rebbeck TR et al. Hum. Mutat. 2018 May;39(5):593-620). Of note, this mutation is also designated as 4504insA in published literature. This variant is considered to be rare based on population cohorts in the Genome Aggregation Database (gnomAD). In addition to the clinical data presented in the literature, this alteration is expected to result in loss of function by premature protein truncation or nonsense-mediated mRNA decay. As such, this alteration is interpreted as a disease-causing mutation.

Baylor Genetics
Classification: Pathogenic for Familial cancer of breast. Last evaluated: 2024-02-21. Review status: criteria provided, single submitter. Criteria: ACMG Guidelines, 2015. Collection method: clinical testing. Allele origin: unknown. Not counted in ClinVar's aggregate classification.

GeneDx
Classification: Pathogenic. Last evaluated: 2023-07-21. Review status: criteria provided, single submitter. Criteria: GeneDx Variant Classification Process June 2021. Collection method: clinical testing. Allele origin: germline. Affected: yes. Not counted in ClinVar's aggregate classification.
Comment: Frameshift variant predicted to result in protein truncation or nonsense mediated decay in a gene for which loss of function is a known mechanism of disease; Reported in association with hereditary breast and/or ovarian cancer (Lubinski et al., 2004); Truncating variants in this gene are considered pathogenic by a well-established clinical consortium and/or database; Not observed at significant frequency in large population cohorts (gnomAD); Also known as 4504dupA and 4504insA; This variant is associated with the following publications: (PMID: 28281021, 28152038, 29446198, 31853058, 33084842, 32918181, 15131399, 33087929)

Color Diagnostics, LLC DBA Color Health
Classification: Pathogenic for Hereditary cancer-predisposing syndrome. Last evaluated: 2022-05-23. Review status: criteria provided, single submitter. Criteria: ACMG Guidelines, 2015. Collection method: clinical testing. Allele origin: germline. Not counted in ClinVar's aggregate classification.
Comment: This variant inserts 1 nucleotide in exon 11 of the BRCA2 gene, creating a frameshift and premature translation stop signal that is expected to trigger nonsense-mediated decay. This variant is expected to result in an absent or non-functional protein product. This variant has been reported in at least five families suspected of being affected with hereditary breast and ovarian cancer (PMID: 15131399, 29446198). This variant has not been identified in the general population by the Genome Aggregation Database (gnomAD). Loss of BRCA2 function is a known mechanism of disease. Based on the available evidence, this variant is classified as Pathogenic.

Women's Health and Genetics/Laboratory Corporation of America, LabCorp
Classification: Pathogenic for Hereditary breast ovarian cancer syndrome. Last evaluated: 2021-10-14. Review status: criteria provided, single submitter. Criteria: LabCorp Variant Classification Summary - May 2015. Collection method: clinical testing. Allele origin: germline. Not counted in ClinVar's aggregate classification.
Comment: Variant summary: BRCA2 c.4276dupA (p.Thr1426AsnfsX12) results in a premature termination codon, predicted to cause a truncation of the encoded protein or absence of the protein due to nonsense mediated decay, which are commonly known mechanisms for disease. Truncations downstream of this position have been classified as pathogenic by our laboratory. The variant was absent in 244880 control chromosomes (gnomAD). c.4276dupA has been reported in the literature in multiple individuals affected with Hereditary Breast And Ovarian Cancer Syndrome (example, Lubinski_2004 and Rebbeck_2018). To our knowledge, no experimental evidence demonstrating an impact on protein function has been reported. Four clinical diagnostic laboratories and two expert panels (CIMBA and ENIGMA) have submitted clinical-significance assessments for this variant to ClinVar after 2014 and classified the variant as pathogenic. Based on the evidence outlined above, the variant was classified as pathogenic.

Laboratory for Molecular Medicine, Mass General Brigham Personalized Medicine
Classification: Pathogenic for Hereditary breast ovarian cancer syndrome. Last evaluated: 2019-10-14. Review status: criteria provided, single submitter. Criteria: ACMG Guidelines, 2015. Collection method: clinical testing. Allele origin: germline. Not counted in ClinVar's aggregate classification.
Comment: The p.Thr1426AsnfsX12 variant in BRCA2 (resulting from c.4276dupA) has been reported in at least 5 individuals with BRCA2-related cancers (Lubinski 2004, Crawford 2017, BIC database). It was absent from large population studies. This variant is predicted to cause a frameshift, which alters the protein’s amino acid sequence beginning at position 1426 and leads to a premature termination codon 12 amino acids downstream. This alteration is then predicted to lead to a truncated or absent protein. Loss of function of the BRCA2 gene is an established disease mechanism in autosomal dominant hereditary breast and ovarian cancer syndrome (HBOC). Additionally, this variant was classified as Pathogenic on Sept 8 2016 by the ClinGen-approved ENIGMA expert panel (Variation ID: 37891). In summary, this variant meets criteria to be classified as pathogenic for autosomal dominant HBOC. ACMG/AMP Criteria applied: PVS1, PM2, PS4_Supporting.

Blueprint Genetics
Classification: Pathogenic for BRCA2-related disorders. Last evaluated: 2017-10-13. Review status: criteria provided, single submitter. Criteria: ACMG Guidelines, 2015. Collection method: clinical testing. Allele origin: germline. Affected: yes. Observed: 1 variant allele. Not counted in ClinVar's aggregate classification.

Consortium of Investigators of Modifiers of BRCA1/2 (CIMBA), c/o University of Cambridge
Classification: Pathogenic for Breast-ovarian cancer, familial, susceptibility to, 2. Last evaluated: 2015-10-02. Review status: criteria provided, single submitter. Criteria: CIMBA Mutation Classification guidelines May 2016. Collection method: clinical testing. Allele origin: germline. Not counted in ClinVar's aggregate classification.

Research Molecular Genetics Laboratory, Women's College Hospital, University of Toronto
Classification: Pathogenic for Hereditary breast ovarian cancer syndrome. Last evaluated: 2014-01-31. Review status: no assertion criteria provided. Collection method: research. Allele origin: germline. Affected: yes. Study: The Canadian Open Genetics Repository (COGR). Not counted in ClinVar's aggregate classification.

Sharing Clinical Reports Project (SCRP)
Classification: Pathogenic for Breast-ovarian cancer, familial 2. Last evaluated: 2008-07-14. Review status: no assertion criteria provided. Collection method: clinical testing. Allele origin: germline. Not counted in ClinVar's aggregate classification.

Breast Cancer Information Core (BIC) (BRCA2)
Classification: Pathogenic for Breast-ovarian cancer, familial 2. Last evaluated: 2000-08-16. Review status: no assertion criteria provided. Collection method: clinical testing. Allele origin: germline. Affected: yes. Observed: 3 variant alleles. Not counted in ClinVar's aggregate classification.

Literature cited by the submitters: PubMed 20104584 (cited by Labcorp Genetics (formerly Invitae), Labcorp); PubMed 15131399 (cited by 5 submitters); PubMed 32918181 (cited by Quest Diagnostics Nichols Institute San Juan Capistrano); PubMed 33084842 (cited by Quest Diagnostics Nichols Institute San Juan Capistrano); PubMed 33087929 (cited by Quest Diagnostics Nichols Institute San Juan Capistrano); PubMed 29446198 (cited by 3 submitters); PubMed 28152038 (cited by Women's Health and Genetics/Laboratory Corporation of America, LabCorp); PubMed 28281021 (cited by Laboratory for Molecular Medicine, Mass General Brigham Personalized Medicine).

NM_000059.4(BRCA2):c.4276dup (p.Thr1426fs)

Gene: BRCA2 (BRCA2 DNA repair associated; plus strand). Cytogenetic location: 13q13.1.
Variant type: Duplication.
Coding change: c.4276dup on transcript NM_000059.4 (MANE Select); coding-DNA position 4276, one base duplicated (A; older notation c.4276dupA).
Protein change: p.Thr1426fs; shifts the reading frame from threonine 1426.
Molecular consequence: frameshift variant.
Genome position (GRCh38, 1-based): chr13:32,338,631, A duplicated. VCF-style (leftmost placement, unchanged base first): chr13-32338630-T-TA. GRCh37 (hg19) VCF-style: chr13-32912767-T-TA.
Other names: 4504insA; c.4276dupA (NM_000059.3); short protein forms T1426fs.
Identifiers: ClinVar variation 37891 (VCV000037891.30), dbSNP rs80359438, ClinGen allele CA019892.